The following is an entry in ClinVar:

ClinVar aggregate classification (germline): Uncertain significance (1 of 4 stars; one submission).

Conditions:
Inborn genetic diseases. Identifiers: MedGen C0950123, MeSH D030342.

Submission:

Ambry Genetics
Classification: Uncertain significance for Inborn genetic diseases. Last evaluated: 2025-04-18. Review status: criteria provided, single submitter. Criteria: Ambry Variant Classification Scheme 2023. Collection method: clinical testing. Allele origin: germline.
Comment: The p.N250T variant (also known as c.749A>C), located in coding exon 8 of the FANCA gene, results from an A to C substitution at nucleotide position 749. The asparagine at codon 250 is replaced by threonine, an amino acid with similar properties. This amino acid position is conserved. In addition, this alteration is predicted to be tolerated by in silico analysis. Based on the available evidence, the clinical significance of this variant remains unclear.

NM_000135.4(FANCA):c.749A>C (p.Asn250Thr)

Gene: FANCA (FA complementation group A; minus strand). Cytogenetic location: 16q24.3.
Variant type: single nucleotide variant.
Coding change: c.749A>C on transcript NM_000135.4 (MANE Select); coding-DNA position 749, A replaced by C.
Protein change: p.Asn250Thr; replaces asparagine 250 with threonine.
Molecular consequence: missense variant.
Genome position (GRCh38, 1-based): chr16:89,803,302, T>G on the plus strand (A>C on the coding strand, the complement: FANCA is on the minus strand). VCF-style: chr16-89803302-T-G. GRCh37 (hg19) VCF-style: chr16-89869710-T-G.
Other names: c.749A>C, p.Asn250Thr (NM_001018112.3, NM_001286167.3); c.653A>C, p.Asn218Thr (NM_001351830.2); short protein forms N250T, N218T.
Identifiers: ClinVar variation 4022202 (VCV004022202.1).
Genomic context (GRCh38, chr16:89,803,302, plus strand): 5'-TTGACTTTTCCTCCTACCTGCGGCATTTTTTCAGGCTCCACAGTTCTTCTCAGATCTGAG[T>G]TTTTCTGAAATCCCCTCAAAACAAACATTTGAACAAAATCTGAAAAACCATAAAACCAAA-3'
Protein context (NP_000126.2, residues 240-260): QMFVLRGFQK[Asn250Thr]SDLRRTVEPE